The following is an entry in ClinVar:

ClinVar aggregate classification (germline): Benign. Review status: criteria provided, multiple submitters, no conflicts (2 of 4 stars). 7 submissions from 7 submitters: Benign (7). Last evaluated 2026-01-04.

Conditions:
Autosomal recessive nonsyndromic hearing loss 29. Identifiers: Orphanet 90636, MedGen C3279660, MONDO:0013537, OMIM 614035.

Allele frequency attached by ClinVar (database versions not stated): gnomAD 0.00136 and 0.00188; ESP Exome Variant Server 0.00154; TOPMed 0.00192; gnomAD exomes 0.00347; ExAC 0.00362; 1000 Genomes Project 0.00439; 1000 Genomes Project 30x 0.00453.
gnomAD v4.1: 2,813 of 1,613,192 alleles (0.17%); highest among the groups gnomAD compares: South Asian, 1.4%; 35 homozygotes.

Submissions (7):

Labcorp Genetics (formerly Invitae), Labcorp
Classification: Benign. Last evaluated: 2026-01-04. Review status: criteria provided, single submitter. Criteria: Invitae Variant Classification Sherloc (09022015). Collection method: clinical testing. Allele origin: germline.

GeneDx
Classification: Benign. Last evaluated: 2019-05-06. Review status: criteria provided, single submitter. Criteria: GeneDx Variant Classification Process June 2021. Collection method: clinical testing. Allele origin: germline. Affected: yes.
Comment: This variant is associated with the following publications: (PMID: 15880785, 23590985)

Athena Diagnostics
Classification: Benign. Last evaluated: 2019-02-15. Review status: criteria provided, single submitter. Criteria: Athena Diagnostics Criteria. Collection method: clinical testing. Allele origin: germline.

Illumina Laboratory Services, Illumina
Classification: Benign for Autosomal recessive nonsyndromic hearing loss 29. Last evaluated: 2017-08-25. Review status: criteria provided, single submitter. Criteria: ICSL Variant Classification Criteria 13 December 2019. Collection method: clinical testing. Allele origin: germline.
Comment: This variant was observed as part of a predisposition screen in an ostensibly healthy population. A literature search was performed for the gene, cDNA change, and amino acid change (where applicable). Publications were found based on this search. The evidence from the literature, in combination with allele frequency data from public databases where available, was sufficient to rule this variant out of causing disease. Therefore, this variant is classified as benign.

Laboratory for Molecular Medicine, Mass General Brigham Personalized Medicine
Classification: Benign. Last evaluated: 2016-06-21. Review status: criteria provided, single submitter. Criteria: LMM Criteria. Collection method: clinical testing. Allele origin: germline. Observed: 8 variant alleles.
Comment: p.Ile100Ile in Exon 03 of CLDN14: This variant is not expected to have clinical significance because it does not alter an amino acid residue, is not located wit hin the splice consensus sequence, and has been identified in 1.6% (267/16490) o f South Asian chromosomes by the Exome Aggregation Consortium (ExAC .; dbSNP rs113350364).

PreventionGenetics, part of Exact Sciences
Classification: Benign. Last evaluated: 2016-02-11. Review status: criteria provided, single submitter. Criteria: ACMG Guidelines, 2015. Collection method: clinical testing. Allele origin: germline.

Breakthrough Genomics
Classification: Benign. Review status: criteria provided, single submitter. Criteria: ACMG Guidelines, 2015. Collection method: not provided. Allele origin: germline. Inheritance: Autosomal recessive inheritance. Affected: yes.

Literature cited by the submitters: PubMed 23590985 (cited by Athena Diagnostics and Illumina Laboratory Services, Illumina); PubMed 15880785 (cited by Illumina Laboratory Services, Illumina).

NM_001146079.2(CLDN14):c.300C>T (p.Ile100=)

Genes: CLDN14 (claudin 14; minus strand), CLDN14-AS1 (CLDN14 antisense RNA 1; plus strand). Cytogenetic location: 21q22.13.
Variant type: single nucleotide variant.
Coding change: c.300C>T on transcript NM_001146079.2 (MANE Select); coding-DNA position 300, C replaced by T.
Protein change: p.Ile100=; no amino-acid change (isoleucine 100 retained).
Molecular consequence: synonymous variant.
Genome position (GRCh38, 1-based): chr21:36,461,396, G>A on the plus strand (C>T on the coding strand, the complement: CLDN14 is on the minus strand). VCF-style: chr21-36461396-G-A. GRCh37 (hg19) VCF-style: chr21-37833694-G-A.
Other names: c.300C>T, p.Ile100= (NM_001146077.2, NM_001146078.3, NM_012130.4 and 1 more transcripts).
Identifiers: ClinVar variation 178603 (VCV000178603.21), dbSNP rs113350364, ClinGen allele CA182638.